The following is an entry in ClinVar:

NM_138691.3(TMC1):c.363-3057_535+2298del

Gene: TMC1 (transmembrane channel like 1; plus strand). Cytogenetic location: 9q21.13.
Variant type: Deletion.
Coding change: c.363-3057_535+2298del on transcript NM_138691.3 (MANE Select); 3057 bases into the intron before coding-DNA position 363 through 2298 bases into the intron after coding-DNA position 535, 7,762 bases deleted.
Molecular consequence: splice acceptor variant, splice donor variant.
Genome position (GRCh38, 1-based): chr9:72,737,062-72,744,823, 7,762 bases deleted. GRCh37 (hg19): chr9:75,351,978-75,359,739.
Identifiers: ClinVar variation 5020066 (VCV005020066.1).

ClinVar aggregate classification (germline): Pathogenic (1 of 4 stars; one submission).

Conditions:
Autosomal recessive nonsyndromic hearing loss 7. Also called: DEAFNESS, AUTOSOMAL RECESSIVE 11. Identifiers: Orphanet 90636, MedGen C1832978, MONDO:0010967, OMIM 600974.

Submission:

Institute of Rare Diseases, West China Hospital, Sichuan University
Classification: Pathogenic for Autosomal recessive nonsyndromic hearing loss 7. Last evaluated: 2026-09-13. Review status: criteria provided, single submitter. Criteria: ACMG/ClinGen CNV Guidelines, 2019. Collection method: clinical testing. Allele origin: germline. Inheritance: Autosomal recessive inheritance. Affected: yes.
Comment: Intragenic deletion of TMC1 gene, loss‑of‑function variant(PVS1). Extremely rare in population database (PM2). ACMG classification: pathogenic(PVS1,PM2_Supporting,PM3).

Literature cited by the submitters: PubMed 29300386.